The following is an entry in ClinVar:

ClinVar aggregate classification (germline): Uncertain significance (1 of 4 stars; one submission).

Submission:

GeneDx
Classification: Uncertain significance. Last evaluated: 2024-06-27. Review status: criteria provided, single submitter. Criteria: GeneDx Variant Classification Process June 2021. Collection method: clinical testing. Allele origin: germline. Affected: yes.
Comment: Not observed at significant frequency in large population cohorts (gnomAD); In silico analysis supports a deleterious effect on splicing; Has not been previously published as pathogenic or benign to our knowledge

NM_000719.7(CACNA1C):c.4828+6T>G

Gene: CACNA1C (calcium voltage-gated channel subunit alpha1 C; plus strand). Cytogenetic location: 12p13.33.
Variant type: single nucleotide variant.
Coding change: c.4828+6T>G on transcript NM_000719.7 (MANE Select); 6 bases into the intron after coding-DNA position 4828, T replaced by G.
Molecular consequence: intron variant.
Genome position (GRCh38, 1-based): chr12:2,674,648, T>G. VCF-style: chr12-2674648-T-G. GRCh37 (hg19) VCF-style: chr12-2783814-T-G.
Other names: c.4828+6T>G (NM_001167624.3, NM_001167623.2, NM_001129840.2 and 4 more transcripts); c.4795+6T>G (NM_001167625.2, NM_001129846.2); c.4972+6T>G (NM_199460.4, NM_001129827.2); c.4888+6T>G (NM_001129832.2); c.4912+6T>G (NM_001129831.2); c.4885+6T>G (NM_001129833.2, NM_001129834.2, NM_001129835.2); c.4951+6T>G (NM_001129829.2); c.4852+6T>G (NM_001129837.2, NM_001129838.2); and 3 more.
Identifiers: ClinVar variation 3392617 (VCV003392617.1).